The following is an entry in ClinVar:

NM_023110.3(FGFR1):c.233G>A (p.Arg78His)

Gene: FGFR1 (fibroblast growth factor receptor 1; minus strand). Cytogenetic location: 8p11.23.
Variant type: single nucleotide variant.
Coding change: c.233G>A on transcript NM_023110.3 (MANE Select); coding-DNA position 233, G replaced by A.
Protein change: p.Arg78His; replaces arginine 78 with histidine.
Molecular consequence: missense variant. On other transcripts: intron variant (5).
Genome position (GRCh38, 1-based): chr8:38,429,807, C>T on the plus strand (G>A on the coding strand, the complement: FGFR1 is on the minus strand). VCF-style: chr8-38429807-C-T. GRCh37 (hg19) VCF-style: chr8-38287325-C-T.
Other names: c.233G>A, p.Arg78His (NM_001174063.2, NM_001174065.2, NM_001354367.2 and 3 more transcripts); c.209G>A, p.Arg70His (NM_001174064.2); c.332G>A, p.Arg111His (NM_001174067.2); c.92-1372G>A (NM_001354368.2, NM_001354370.2, NM_023106.3 and 2 more transcripts); short protein forms R111H, R70H, R78H.
Identifiers: ClinVar variation 3748909 (VCV003748909.3).
Genomic context (GRCh38, chr8:38,429,807, plus strand): 5'-AGGCCGGAGTCTGCGGGCACGGAGTCCTGCACCTCCACCTCCTCCCCTGTGATGCGGGTG[C>T]GGTTGCTTTCCGCCAGCTGCACCCCGTCCCGCAGCCAGTTGATGCTCTGCACATCGTCCC-3'
Protein context (NP_075598.2, residues 68-88): RDGVQLAESN[Arg78His]TRITGEEVEV

ClinVar aggregate classification (germline): Uncertain significance. Review status: criteria provided, multiple submitters, no conflicts (2 of 4 stars). 2 submissions from 2 submitters: Uncertain significance (2). Last evaluated 2025-08-20.

Conditions:
Pfeiffer syndrome (ACS5). Also called: ACS V. Identifiers: Orphanet 710, MedGen C0220658, MONDO:0007043, OMIM 101600.
Hypogonadotropic hypogonadism 2 with or without anosmia (HH2). Also called: HYPOGONADOTROPIC HYPOGONADISM 2 WITHOUT ANOSMIA; HYPOGONADOTROPIC HYPOGONADISM 2 WITH OR WITHOUT ANOSMIA, SUSCEPTIBILITY TO; HYPOGONADOTROPIC HYPOGONADISM 2 WITHOUT ANOSMIA, SUSCEPTIBILITY TO; FGFR1-Related GnRH Deficiency (Kallmann Syndrome 2). Identifiers: Orphanet 478, MedGen C1563720, MONDO:0007844, OMIM 147950. Disease mechanism: loss of function.

gnomAD v4.1: 23 of 1,613,386 alleles (0.0014%); highest among the groups gnomAD compares: East Asian, 0.0022%; no homozygotes.

Submissions (2):

Clinical Genomics Laboratory, Washington University in St. Louis
Classification: Uncertain significance for Hypogonadotropic hypogonadism 2 with or without anosmia; Pfeiffer syndrome. Last evaluated: 2025-08-20. Review status: criteria provided, single submitter. Criteria: ACMG Guidelines, 2015. Collection method: clinical testing. Allele origin: germline.
Comment: An FGFR1 c.233G>A (p.Arg78His) variant was identified at a near-heterozygous allelic fraction of 48.3%, a frequency which may be consistent with it being of germline origin. This variant, to our knowledge, has not been reported in the medical literature; however, it has been listed in the ClinVar database as a variant of uncertain significance in a germline state by one submitter (ClinVar Variation ID: 3748909). It is only observed on 23/1,613,386 alleles in the general population (gnomAD v.4.1.0), indicating it is not a common variant. Another variant in the same codon, c.232C>G (p.Arg78Cys), has been reported in individuals affected with congenital hypogonadism and is considered pathogenic (Pitteloud N et al., PMID: 16764984, Xu C et al., PMID: 28754744; ClinVar Variation ID: 431966). Due to limited information, and based on ACMG/AMP guidelines for variant interpretation (Richards S et al., PMID: 25741868), the clinical significance of FGFR1 c.233G>A (p.Arg78His) variant is uncertain at this time.

Labcorp Genetics (formerly Invitae), Labcorp
Classification: Uncertain significance for Pfeiffer syndrome; Hypogonadotropic hypogonadism 2 with or without anosmia. Last evaluated: 2024-04-15. Review status: criteria provided, single submitter. Criteria: Invitae Variant Classification Sherloc (09022015). Collection method: clinical testing. Allele origin: germline.
Comment: This sequence change replaces arginine, which is basic and polar, with histidine, which is basic and polar, at codon 78 of the FGFR1 protein (p.Arg78His). This variant is present in population databases (rs754968374, gnomAD 0.006%). This missense change has been observed in individual(s) with ossification of the posterior longitudinal ligament (PMID: 27246988). Advanced modeling of protein sequence and biophysical properties (such as structural, functional, and spatial information, amino acid conservation, physicochemical variation, residue mobility, and thermodynamic stability) has been performed at Invitae for this missense variant, however the output from this modeling did not meet the statistical confidence thresholds required to predict the impact of this variant on FGFR1 protein function. This variant disrupts the p.Arg78 amino acid residue in FGFR1. Other variant(s) that disrupt this residue have been determined to be pathogenic (PMID: 16764984, 23643382, 28754744; Invitae). This suggests that this residue is clinically significant, and that variants that disrupt this residue are likely to be disease-causing. In summary, the available evidence is currently insufficient to determine the role of this variant in disease. Therefore, it has been classified as a Variant of Uncertain Significance.

Literature cited by the submitters: PubMed 27246988 (cited by Labcorp Genetics (formerly Invitae), Labcorp); PubMed 16764984 (cited by Labcorp Genetics (formerly Invitae), Labcorp); PubMed 23643382 (cited by Labcorp Genetics (formerly Invitae), Labcorp); PubMed 28754744 (cited by Labcorp Genetics (formerly Invitae), Labcorp).